The following is an entry in ClinVar:

ClinVar aggregate classification (germline): Uncertain significance (1 of 4 stars; one submission).

Conditions:
Cardiovascular phenotype. Identifiers: MedGen CN230736.

gnomAD v4.1: 17 of 1,614,036 alleles (0.0011%); highest among the groups gnomAD compares: Non-Finnish European, 0.0014%; no homozygotes.

Submission:

Ambry Genetics
Classification: Uncertain significance for Cardiovascular phenotype. Last evaluated: 2025-06-28. Review status: criteria provided, single submitter. Criteria: Ambry Variant Classification Scheme 2023. Collection method: clinical testing. Allele origin: germline.
Comment: The p.A34T variant (also known as c.100G>A), located in coding exon 1 of the TBX5 gene, results from a G to A substitution at nucleotide position 100. The alanine at codon 34 is replaced by threonine, an amino acid with similar properties. This amino acid position is conserved. In addition, this alteration is predicted to be tolerated by in silico analysis. Based on the available evidence, the clinical significance of this variant remains unclear.

NM_181486.4(TBX5):c.100G>A (p.Ala34Thr)

Gene: TBX5 (T-box transcription factor 5; minus strand). Cytogenetic location: 12q24.21.
Variant type: single nucleotide variant.
Coding change: c.100G>A on transcript NM_181486.4 (MANE Select); coding-DNA position 100, G replaced by A.
Protein change: p.Ala34Thr; replaces alanine 34 with threonine.
Molecular consequence: missense variant. On other transcripts: intron variant (1).
Genome position (GRCh38, 1-based): chr12:114,403,799, C>T on the plus strand (G>A on the coding strand, the complement: TBX5 is on the minus strand). VCF-style: chr12-114403799-C-T. GRCh37 (hg19) VCF-style: chr12-114841604-C-T.
Other names: c.100G>A, p.Ala34Thr (NM_000192.3); c.-3-1879G>A (NM_080717.4); short protein forms A34T.
Identifiers: ClinVar variation 4181306 (VCV004181306.1).